The following is an entry in ClinVar:

ClinVar aggregate classification (germline): Uncertain significance (1 of 4 stars; one submission).

Conditions:
Axenfeld-Rieger syndrome type 3 (RIEG3). Also called: AXENFELD-RIEGER ANOMALY WITH CARDIAC DEFECTS AND/OR SENSORINEURAL HEARING LOSS. Identifiers: Orphanet 782, MedGen C2678503, MONDO:0011233, OMIM 602482.

gnomAD v4.1: 1 of 1,505,664 alleles (0.000066%); highest among the groups gnomAD compares: South Asian, 0.0013%; no homozygotes.

Submission:

Labcorp Genetics (formerly Invitae), Labcorp
Classification: Uncertain significance for Axenfeld-Rieger syndrome type 3. Last evaluated: 2025-05-19. Review status: criteria provided, single submitter. Criteria: Invitae Variant Classification Sherloc (09022015). Collection method: clinical testing. Allele origin: germline.
Comment: This sequence change affects codon 18 of the FOXC1 mRNA. It is a 'silent' change, meaning that it does not change the encoded amino acid sequence of the FOXC1 protein. This variant is not present in population databases (gnomAD no frequency). This variant has not been reported in the literature in individuals affected with FOXC1-related conditions. In summary, the available evidence is currently insufficient to determine the role of this variant in disease. Therefore, it has been classified as a Variant of Uncertain Significance.

NM_001453.3(FOXC1):c.54C>T (p.Tyr18=)

Gene: FOXC1 (forkhead box C1; plus strand). Cytogenetic location: 6p25.3.
Variant type: single nucleotide variant.
Coding change: c.54C>T on transcript NM_001453.3 (MANE Select); coding-DNA position 54, C replaced by T.
Protein change: p.Tyr18=; no amino-acid change (tyrosine 18 retained).
Molecular consequence: synonymous variant.
Genome position (GRCh38, 1-based): chr6:1,610,499, C>T. VCF-style: chr6-1610499-C-T. GRCh37 (hg19) VCF-style: chr6-1610734-C-T.
Identifiers: ClinVar variation 4736960 (VCV004736960.1).